The following is an entry in ClinVar:

NM_000052.7(ATP7A):c.3473C>A (p.Ser1158Ter)

Gene: ATP7A (ATPase copper transporting alpha; plus strand). Cytogenetic location: Xq21.1.
Variant type: single nucleotide variant.
Coding change: c.3473C>A on transcript NM_000052.7 (MANE Select); coding-DNA position 3473, C replaced by A.
Protein change: p.Ser1158Ter; replaces serine 1158 with a stop codon.
Molecular consequence: nonsense. On other transcripts: non-coding transcript variant (1).
Genome position (GRCh38, 1-based): chrX:78,033,783, C>A. VCF-style: chrX-78033783-C-A. GRCh37 (hg19) VCF-style: chrX-77289281-C-A.
Other names: c.3239C>A, p.Ser1080Ter (NM_001282224.2); short protein forms S1158*, S1080*.
Identifiers: ClinVar variation 459840 (VCV000459840.8), dbSNP rs1557237451, ClinGen allele CA413604244.
Genomic context (GRCh38, chrX:78,033,783, plus strand): 5'-AGGACAATAATATTAAAAATGCATCCCTGGTTCAAATTGATGCCAGTAATGAACAGTCAT[C>A]AACTTCGTCTTCCATGATTATTGATGCCCAGATCTCAAGTAAGCTAATTTTCTTTGTAGT-3'

ClinVar aggregate classification (germline): Pathogenic. Review status: criteria provided, multiple submitters, no conflicts (2 of 4 stars). 2 submissions from 2 submitters: Pathogenic (2). Last evaluated 2024-05-08.

Conditions:
X-linked distal spinal muscular atrophy type 3. Also called: SPINAL MUSCULAR ATROPHY, DISTAL, X-LINKED RECESSIVE; ATP7A-Related Distal Motor Neuropathy; NEURONOPATHY, DISTAL HEREDITARY MOTOR, X-LINKED; NEUROPATHY, DISTAL HEREDITARY MOTOR, X-LINKED. Identifiers: Orphanet 139557, MedGen C1845359, MONDO:0010338, OMIM 300489.
Menkes kinky-hair syndrome (MNK). Also called: Classic Menkes Disease; Copper transport disease; Menkes Disease. Identifiers: Orphanet 565, MedGen C0022716, MONDO:0010651, OMIM 309400.
Cutis laxa, X-linked (OHS). Also called: EDS IX; Occipital horn syndrome. Identifiers: Orphanet 198, MedGen C0268353, MONDO:0010572, OMIM 304150.

Submissions (2):

Myriad Genetics, Inc.
Classification: Pathogenic for Menkes kinky-hair syndrome. Last evaluated: 2024-05-08. Review status: criteria provided, single submitter. Criteria: Myriad Autosomal Dominant, Autosomal Recessive and X-Linked Classification Criteria (2023). Collection method: clinical testing. Allele origin: unknown.
Comment: NM_000052.5(ATP7A):c.3473C>A(S1158*) is expected to be pathogenic in the context of ATP7A-related disorders. This variant is predicted to lead to an abnormal or absent protein product due to the creation of a premature termination codon in ATP7A, a gene where loss-of-function variants are known to be pathogenic. Please note: this variant was assessed in the context of healthy population screening.

Labcorp Genetics (formerly Invitae), Labcorp
Classification: Pathogenic for X-linked distal spinal muscular atrophy type 3; Cutis laxa, X-linked; Menkes kinky-hair syndrome. Last evaluated: 2017-08-31. Review status: criteria provided, single submitter. Criteria: Invitae Variant Classification Sherloc (09022015). Collection method: clinical testing. Allele origin: germline.
Comment: This variant is not present in population databases (ExAC no frequency). This sequence change creates a premature translational stop signal (p.Ser1158*) in the ATP7A gene. It is expected to result in an absent or disrupted protein product. This variant has not been reported in the literature in individuals with ATP7A-related disease. Loss-of-function variants in ATP7A are known to be pathogenic (PMID: 11241493, 20652413). For these reasons, this variant has been classified as Pathogenic.

Literature cited by the submitters: PubMed 11241493 (cited by Labcorp Genetics (formerly Invitae), Labcorp); PubMed 20652413 (cited by Labcorp Genetics (formerly Invitae), Labcorp).